The following is an entry in ClinVar:

NM_001378454.1(ALMS1):c.7957C>G (p.Pro2653Ala)

Gene: ALMS1 (ALMS1 centrosome and basal body associated protein; plus strand). Cytogenetic location: 2p13.1.
Variant type: single nucleotide variant.
Coding change: c.7957C>G on transcript NM_001378454.1 (MANE Select); coding-DNA position 7957, C replaced by G.
Protein change: p.Pro2653Ala; replaces proline 2653 with alanine.
Molecular consequence: missense variant.
Genome position (GRCh38, 1-based): chr2:73,489,916, C>G. VCF-style: chr2-73489916-C-G. GRCh37 (hg19) VCF-style: chr2-73717043-C-G.
Other names: c.7960C>G, p.Pro2654Ala (NM_015120.4); short protein forms P2653A, P2654A.
Identifiers: ClinVar variation 2190670 (VCV002190670.1), dbSNP rs2466213534, ClinGen allele CA347266567.

ClinVar aggregate classification (germline): Uncertain significance (1 of 4 stars; one submission).

Conditions:
Alstrom syndrome (ALMS). Identifiers: Orphanet 64, MedGen C0268425, MONDO:0008763, OMIM 203800.

Allele frequency attached by ClinVar (database versions not stated): gnomAD exomes below 0.00001.
gnomAD v4.1: 1 of 1,614,140 alleles (0.000062%); highest among the groups gnomAD compares: Non-Finnish European, 0.000085%; no homozygotes.

Submission:

Labcorp Genetics (formerly Invitae), Labcorp
Classification: Uncertain significance for Alstrom syndrome. Last evaluated: 2022-02-04. Review status: criteria provided, single submitter. Criteria: Invitae Variant Classification Sherloc (09022015). Collection method: clinical testing. Allele origin: germline.
Comment: This sequence change replaces proline, which is neutral and non-polar, with alanine, which is neutral and non-polar, at codon 2654 of the ALMS1 protein (p.Pro2654Ala). This variant is not present in population databases (gnomAD no frequency). This variant has not been reported in the literature in individuals affected with ALMS1-related conditions. Experimental studies and prediction algorithms are not available or were not evaluated, and the functional significance of this variant is currently unknown. In summary, the available evidence is currently insufficient to determine the role of this variant in disease. Therefore, it has been classified as a Variant of Uncertain Significance.